The following is an entry in ClinVar:

ClinVar aggregate classification (germline): Uncertain significance. Review status: criteria provided, multiple submitters, no conflicts (2 of 4 stars). 2 submissions from 2 submitters: Uncertain significance (2). Last evaluated 2022-09-07.

Conditions:
Inborn genetic diseases. Identifiers: MedGen C0950123, MeSH D030342.

Allele frequency attached by ClinVar (database versions not stated): ExAC 0.00001.

Submissions (2):

Labcorp Genetics (formerly Invitae), Labcorp
Classification: Uncertain significance. Last evaluated: 2022-09-07. Review status: criteria provided, single submitter. Criteria: Invitae Variant Classification Sherloc (09022015). Collection method: clinical testing. Allele origin: germline.
Comment: This sequence change falls in intron 3 of the PLOD3 gene. It does not directly change the encoded amino acid sequence of the PLOD3 protein. It affects a nucleotide within the consensus splice site. This variant is present in population databases (rs772274191, gnomAD 0.006%). This variant has not been reported in the literature in individuals affected with PLOD3-related conditions. ClinVar contains an entry for this variant (Variation ID: 1449507). Variants that disrupt the consensus splice site are a relatively common cause of aberrant splicing (PMID: 17576681, 9536098). Algorithms developed to predict the effect of sequence changes on RNA splicing suggest that this variant is not likely to affect RNA splicing. In summary, the available evidence is currently insufficient to determine the role of this variant in disease. Therefore, it has been classified as a Variant of Uncertain Significance.

Ambry Genetics
Classification: Uncertain significance for Inborn genetic diseases. Last evaluated: 2021-08-31. Review status: criteria provided, single submitter. Criteria: Ambry Variant Classification Scheme 2023. Collection method: clinical testing. Allele origin: germline.
Comment: The c.338+6G>C intronic alteration consists of a G to C substitution nucleotides after coding exon 3 in the PLOD3 gene. Based on insufficient or conflicting evidence, the clinical significance of this alteration remains unclear.

Literature cited by the submitters: PubMed 17576681 (cited by Labcorp Genetics (formerly Invitae), Labcorp); PubMed 9536098 (cited by Labcorp Genetics (formerly Invitae), Labcorp).

NM_001084.5(PLOD3):c.338+6G>C

Gene: PLOD3 (procollagen-lysine,2-oxoglutarate 5-dioxygenase 3; minus strand). Cytogenetic location: 7q22.1.
Variant type: single nucleotide variant.
Coding change: c.338+6G>C on transcript NM_001084.5 (MANE Select); 6 bases into the intron after coding-DNA position 338, G replaced by C.
Molecular consequence: intron variant.
Genome position (GRCh38, 1-based): chr7:101,216,404, C>G on the plus strand (G>C on the coding strand, the complement: PLOD3 is on the minus strand). VCF-style: chr7-101216404-C-G. GRCh37 (hg19) VCF-style: chr7-100859685-C-G.
Other names: c.338+6G>C (NM_001084.4).
Identifiers: ClinVar variation 1449507 (VCV001449507.4), dbSNP rs772274191, ClinGen allele CA4408232.
Genomic context (GRCh38, chr7:101,216,404, plus strand): 5'-GGATGGGCAGGGGTCCACTGGGAACCTCAGCATCCTTACCCCGCTCCCTATCCCCAGCCC[C>G]GTTACCTATCCACAAACATGATGATCATATCCTCCCGGTCAGCGTATTTCTCCATTTCCT-3'